The following is an entry in ClinVar:

ClinVar aggregate classification (germline): Conflicting classifications of pathogenicity. Review status: criteria provided, conflicting classifications (1 of 4 stars). 3 submissions from 3 submitters: Uncertain significance (2); Likely benign (1). Last evaluated 2025-11-03.

Conditions:
Primary ciliary dyskinesia. Also called: Ciliary dyskinesia. Identifiers: Orphanet 244, MedGen C0008780, MONDO:0016575, HP:0012265.
Primary ciliary dyskinesia 3. Identifiers: Orphanet 244, MedGen C1837618, MONDO:0012085, OMIM 608644.

Allele frequency attached by ClinVar (database versions not stated): ExAC 0.00002; gnomAD 0.00002; gnomAD exomes 0.00002 and 0.00003; ESP Exome Variant Server 0.00008; TOPMed 0.00010.
gnomAD v4.1: 33 of 1,613,838 alleles (0.002%); highest among the groups gnomAD compares: South Asian, 0.0066%; no homozygotes.

Submissions (3):

Myriad Genetics, Inc.
Classification: Uncertain significance for Primary ciliary dyskinesia 3. Last evaluated: 2025-11-03. Review status: criteria provided, single submitter. Criteria: Myriad Autosomal Dominant, Autosomal Recessive and X-Linked Classification Criteria (2023). Collection method: clinical testing. Allele origin: unknown.
Comment: NM_001369.2(DNAH5):c.8725C>T(R2909C) is a missense variant classified as a variant of uncertain significance in the context of primary ciliary dyskinesia, DNAH5-related. R2909C has not been observed in cases with relevant disease. Relevant functional assessments of this variant are not available in the literature. R2909C has been observed in referenced population frequency databases. In summary, there is insufficient evidence to classify NM_001369.2(DNAH5):c.8725C>T(R2909C) as pathogenic or benign. Please note: this variant was assessed in the context of healthy population screening.

Labcorp Genetics (formerly Invitae), Labcorp
Classification: Likely benign for Primary ciliary dyskinesia. Last evaluated: 2024-08-09. Review status: criteria provided, single submitter. Criteria: Invitae Variant Classification Sherloc (09022015). Collection method: clinical testing. Allele origin: germline.

Illumina Laboratory Services, Illumina
Classification: Uncertain significance for Primary ciliary dyskinesia 3. Last evaluated: 2018-01-13. Review status: criteria provided, single submitter. Criteria: ICSL Variant Classification Criteria 13 December 2019. Collection method: clinical testing. Allele origin: germline.

NM_001369.3(DNAH5):c.8725C>T (p.Arg2909Cys)

Gene: DNAH5 (dynein axonemal heavy chain 5; minus strand). Cytogenetic location: 5p15.2.
Variant type: single nucleotide variant.
Coding change: c.8725C>T on transcript NM_001369.3 (MANE Select); coding-DNA position 8725, C replaced by T.
Protein change: p.Arg2909Cys; replaces arginine 2909 with cysteine.
Molecular consequence: missense variant.
Genome position (GRCh38, 1-based): chr5:13,786,274, G>A on the plus strand (C>T on the coding strand, the complement: DNAH5 is on the minus strand). VCF-style: chr5-13786274-G-A. GRCh37 (hg19) VCF-style: chr5-13786383-G-A.
Other names: short protein forms R2909C.
Identifiers: ClinVar variation 351051 (VCV000351051.11), dbSNP rs369744828, ClinGen allele CA3202757.